The following is an entry in ClinVar:

ClinVar aggregate classification (germline): Likely benign. Review status: criteria provided, multiple submitters, no conflicts (2 of 4 stars). 4 submissions from 4 submitters: Likely benign (4). Last evaluated 2023-04-03.

Conditions:
Cardiomyopathy (CMYO). Also called: Cardiomyopathies. Identifiers: Orphanet 167848, MedGen C0878544, MONDO:0004994, HP:0001638. Inheritance: Various modes of inheritance.
Arrhythmogenic right ventricular dysplasia 11. Also called: Arrhythmogenic right ventricular dysplasia 11 with mild palmoplantar keratoderma and woolly hair; Arrhythmogenic Right Ventricular Dysplasia/Cardiomyopathy11; ARRHYTHMOGENIC RIGHT VENTRICULAR DYSPLASIA, FAMILIAL, 11. Identifiers: MedGen C1864850, MONDO:0012506, OMIM 610476.
Familial isolated arrhythmogenic right ventricular dysplasia. Identifiers: Orphanet 217656, MedGen C4274968, MONDO:0016342.

Submissions (4):

All of Us Research Program, National Institutes of Health
Classification: Likely benign for Familial isolated arrhythmogenic right ventricular dysplasia. Last evaluated: 2023-04-03. Review status: criteria provided, single submitter. Criteria: ACMG Guidelines, 2015. Collection method: clinical testing. Allele origin: germline. Inheritance: Autosomal dominant inheritance. Observed: 1 variant allele, 1 heterozygote.
Comment: This study involves interpretation of variants in research participants for the purpose of population health screening. Participant phenotype was not available at the time of variant classification. Additional details can be found in publication PMID: 35346344, PMCID: PMC8962531

Color Diagnostics, LLC DBA Color Health
Classification: Likely benign for Cardiomyopathy. Last evaluated: 2022-11-06. Review status: criteria provided, single submitter. Criteria: ACMG Guidelines, 2015. Collection method: clinical testing. Allele origin: germline.

Labcorp Genetics (formerly Invitae), Labcorp
Classification: Likely benign for Arrhythmogenic right ventricular dysplasia 11. Last evaluated: 2021-10-28. Review status: criteria provided, single submitter. Criteria: Invitae Variant Classification Sherloc (09022015). Collection method: clinical testing. Allele origin: germline.

CHEO Genetics Diagnostic Laboratory, Children's Hospital of Eastern Ontario
Classification: Likely benign for Cardiomyopathy. Last evaluated: 2016-11-23. Review status: criteria provided, single submitter. Criteria: ACMG Guidelines, 2015. Collection method: clinical testing. Allele origin: germline. Study: Canadian Open Genetics Repository.

NM_024422.6(DSC2):c.357C>T (p.Val119=)

Gene: DSC2 (desmocollin 2; minus strand). Cytogenetic location: 18q12.1.
Variant type: single nucleotide variant.
Coding change: c.357C>T on transcript NM_024422.6 (MANE Select); coding-DNA position 357, C replaced by T.
Protein change: p.Val119=; no amino-acid change (valine 119 retained).
Molecular consequence: synonymous variant.
Genome position (GRCh38, 1-based): chr18:31,091,145, G>A on the plus strand (C>T on the coding strand, the complement: DSC2 is on the minus strand). VCF-style: chr18-31091145-G-A. GRCh37 (hg19) VCF-style: chr18-28671108-G-A.
Other names: c.357C>T, p.Val119= (NM_004949.5).
Identifiers: ClinVar variation 626555 (VCV000626555.11), dbSNP rs1452043194, ClinGen allele CA503390937.
Genomic context (GRCh38, chr18:31,091,145, plus strand): 5'-TGGAGCCCATCTTCTCTTGGCGCGCCTTAGAACTTTTTCTTTAGTATGTCTTTTCTTTAG[G>A]ACCTCAATTCATAAGACAGGAAAAAATAATAAAGTCAATGACTACTTTATTCTCAAACAT-3'
Protein context (NP_077740.1, residues 109-129): IFVFLEHQTK[Val119=]LKKRHTKEKV